The following is an entry in ClinVar:

NM_001369268.1(ACAN):c.2541C>T (p.Pro847=)

Gene: ACAN (aggrecan; plus strand). Cytogenetic location: 15q26.1.
Variant type: single nucleotide variant.
Coding change: c.2541C>T on transcript NM_001369268.1 (MANE Select); coding-DNA position 2541, C replaced by T.
Protein change: p.Pro847=; no amino-acid change (proline 847 retained).
Molecular consequence: synonymous variant.
Genome position (GRCh38, 1-based): chr15:88,855,126, C>T. VCF-style: chr15-88855126-C-T. GRCh37 (hg19) VCF-style: chr15-89398357-C-T.
Other names: c.2541C>T, p.Pro847= (NM_001135.4, NM_013227.4).
Identifiers: ClinVar variation 1328306 (VCV001328306.26), dbSNP rs201758384, ClinGen allele CA7719894.

ClinVar aggregate classification (germline): Likely benign. Review status: criteria provided, single submitter (1 of 4 stars). 3 submissions from 3 submitters: Likely benign (1). 2 of the submissions do not count toward it. Last evaluated 2025-05-01.

Allele frequency attached by ClinVar (database versions not stated): 1000 Genomes Project 0.00020; 1000 Genomes Project 30x 0.00047; TOPMed 0.00123; ESP Exome Variant Server 0.00164; gnomAD exomes 0.00259 and 0.00308; ExAC 0.00337.
gnomAD v4.1: 4,048 of 1,607,588 alleles (0.25%); highest among the groups gnomAD compares: Non-Finnish European, 0.24%; 13 homozygotes.

Submissions (3):

CeGaT Center for Human Genetics Tuebingen
Classification: Likely benign. Last evaluated: 2025-05-01. Review status: criteria provided, single submitter. Criteria: CeGaT Center For Human Genetics Tuebingen Variant Classification Criteria Version 2. Collection method: clinical testing. Allele origin: germline. Affected: yes. Observed: 3 variant alleles.
Comment: ACAN: BP4, BP7

Clinical Genetics DNA and cytogenetics Diagnostics Lab, Erasmus MC, Erasmus Medical Center
Classification: Likely benign. Review status: no assertion criteria provided. Collection method: clinical testing. Allele origin: germline. Affected: yes. Study: VKGL Data-share Consensus. Not counted in ClinVar's aggregate classification.

Laboratory of Diagnostic Genome Analysis, Leiden University Medical Center (LUMC)
Classification: Likely benign. Review status: no assertion criteria provided. Collection method: clinical testing. Allele origin: germline. Affected: yes. Study: VKGL Data-share Consensus. Not counted in ClinVar's aggregate classification.